The following is an entry in ClinVar:

ClinVar aggregate classification (germline): Likely benign. Review status: reviewed by expert panel (3 of 4 stars). 4 submissions from 4 submitters: Likely benign (1). 3 of the submissions do not count toward it. Last evaluated 2023-06-26.

Conditions:
Mitochondrial disease. Also called: Mitochondrial disorder; Mitochondrial disorders. Identifiers: Orphanet 68380, MedGen C0751651, MeSH D028361, MONDO:0044970.
MELAS syndrome (MELAS). Also called: Juvenile myopathy, encephalopathy, lactic acidosis, stroke. Identifiers: Orphanet 550, MedGen C0162671, MONDO:0010789, OMIM 540000.

Submissions (4):

ClinGen Mitochondrial Disease Nuclear and Mitochondrial  Variant Curation Expert Panel, ClinGen
Classification: Likely benign for Mitochondrial disease. Last evaluated: 2023-06-26. Review status: reviewed by expert panel. Criteria: McCormick et al. (Hum Mutat. 2020). Collection method: curation. Allele origin: germline. Inheritance: Mitochondrial inheritance.
Comment: The m.5814T>C variant in MT-TC was reviewed by the Mitochondrial Disease Nuclear and Mitochondrial Variant Curation Expert Panel on June 26, 2023. This variant has been reported in several individuals with features of primary mitochondrial disease beginning in 1996. However, other genetic etiologies were not excluded due to technical limitations at the time and this variant is now recognized to be present at very high frequencies in population databases, especially in individuals in haplogroup L2. The variant was first reported in individuals with Mitochondrial Encephalopathy, Lactic Acidosis, and Stroke-like episodes (MELAS, PMID: 8829635); progressive external ophthalmoplegia and encephalopathy (PMID: 9185178); hypertrophic cardiomyopathy, myopathy, and lactic acidosis (PMID: 11453453); exercise intolerance and ragged red fibers (PMID: 11335700); and severe encephalopathy (PMID: 17241783). The variant was present at >90% heteroplasmy to homoplasmy in all severely affected individuals. The variant was present at variable levels in family members of affected individuals, ranging from 8% to homoplasmy (PMIDs: 9185178, 11335700, 17241783). There are no reported de novo occurrences of the variant to our knowledge. Single fiber testing was performed however there was wide variability in the heteroplasmy level in normal and abnormal muscle fibers, as well as overlap in the heteroplasmy levels among normal and abnormal muscle fibers (PMID: 8829635). This variant is present at high frequencies in population databases (BA1). The frequency in the MITOMAP GenBank sequences is 215/59,389 (0.362%) including in 132/133 individuals from haplogroup L2b and also seen in individuals from haplogroups R0, N, H4a, B4a, and others. The frequency in gnomAD v3.1.2 is 779/56,413 (1.377%) including 777 homoplasmic occurrences (seen across populations and haplogroups, highest in African/African Americans and L2) and two heteroplasmic occurrences, and seen in individuals across age groups. The frequency in Helix is 519/195,983 (0.255%) including 500 homoplasmic occurrences (seen across haplogroups, highest in L2) and 19 heteroplasmic occurrences. The computational predictor MitoTIP suggests this variant is benign (38.8 percentile) and HmtVAR predicts it to be pathogenic score of 0.75. In summary, this variant meets criteria to be classified as benign for primary mitochondrial disease inherited in a mitochondrial manner. This variant is associated with haplogroup L2 and therefore would not be associated with primary mitochondrial disease in individuals from this haplogroup. While this variant is seen across haplogroups, the effects of this variant in other haplogroups is not as well-defined. Furthermore, while single fiber testing showed differences in mean heteroplasmy levels in normal and abnormal muscle fibers, this did not provide definitive evidence of pathogenicity. However, taken together, this expert panel elected to modify the classification to likely benign. This classification was approved by the NICHD/NINDS U24 ClinGen Mitochondrial Disease Variant Curation Expert Panel on June 26, 2023. Mitochondrial DNA-specific ACMG/AMP criteria applied: BA1.

Wong Mito Lab, Molecular and Human Genetics, Baylor College of Medicine
Classification: Benign for MELAS syndrome. Last evaluated: 2019-07-12. Review status: criteria provided, single submitter. Criteria: Modified ACMG Guidelines (Unpublished). Collection method: clinical testing. Allele origin: germline. Not counted in ClinVar's aggregate classification.
Comment: The NC_012920.1:m.5814T>C variant in MT-TC gene is interpreted to be a Benign variant based on the modified ACMG guidelines (unpublished). This variant meets the following evidence codes reported in the guidelines: BS1, BS2

ARUP Laboratories, Molecular Genetics and Genomics, ARUP Laboratories
Classification: Uncertain significance. Last evaluated: 2018-01-03. Review status: criteria provided, single submitter. Criteria: ARUP Molecular Germline Variant Investigation Process. Collection method: clinical testing. Allele origin: germline. Not counted in ClinVar's aggregate classification.
Comment: This variant (rs200077222) affects the MT-TC gene which encodes the mitochondrial tRNA for cysteine, and has been described in the literature as both a pathogenic and benign variant. However, the m.5814T>C variant was also identified in mildly effected and unaffected maternal relatives of the proband described in Santorelli (1997), and identified in a homoplasmic state in a different proband whose only clinical presentation was exercise intolerance and who also had several unaffected maternal relatives who carried the variant in a homoplasmic state (Sternberg 2001). Additionally, the m.5814T>C variant is found at 99% allele frequency in the L2b haplogroup which is primarily carried by individuals of African and Dominican descent (MITOMAP; trees described in Herrnstadt 2002 and Kivisild 2006), and is therefore present in presumably healthy individuals. Based on the available evidence, the m.5814T>C variant is unlikely to be a primary MELAS variant; however, a contributory role of this variant to MELAS expression cannot be excluded.

OMIM
Classification: Pathogenic for MELAS SYNDROME. Last evaluated: 1997-05-01. Review status: no assertion criteria provided. Collection method: literature only. Allele origin: germline. Not counted in ClinVar's aggregate classification.

Literature cited by the submitters: PubMed 31965079 (cited by Wong Mito Lab, Molecular and Human Genetics, Baylor College of Medicine); PubMed 9384601 (cited by Wong Mito Lab, Molecular and Human Genetics, Baylor College of Medicine); PubMed 8829635 (cited by OMIM); PubMed 9185178 (cited by OMIM).

NC_012920.1(MT-TC):m.5814T>C

Gene: MT-TC (mitochondrially encoded tRNA cysteine; minus strand).
Variant type: single nucleotide variant.
Genome position: chrM-5814-T-C.
Other names: 5814A-G.
Identifiers: ClinVar variation 30001 (VCV000030001.10), dbSNP rs200077222, ClinGen allele CA259739.